The following is an entry in ClinVar:

ClinVar aggregate classification (germline): Uncertain significance. Review status: criteria provided, multiple submitters, no conflicts (2 of 4 stars). 2 submissions from 2 submitters: Uncertain significance (2). Last evaluated 2025-12-30.

Conditions:
Hereditary cancer-predisposing syndrome. Also called: Neoplastic Syndromes, Hereditary; Hereditary Cancer Syndrome; Tumor predisposition; Hereditary neoplastic syndrome. Identifiers: Orphanet 140162, MedGen C0027672, MeSH D009386, MONDO:0015356.

Allele frequency attached by ClinVar (database versions not stated): gnomAD exomes below 0.00001 and 0.00001; ExAC 0.00001; gnomAD 0.00001; TOPMed 0.00001; 1000 Genomes Project 0.00020; 1000 Genomes Project 30x 0.00031.
gnomAD v4.1: 6 of 1,614,232 alleles (0.00037%); highest among the groups gnomAD compares: South Asian, 0.0011%; no homozygotes.

Submissions (2):

Labcorp Genetics (formerly Invitae), Labcorp
Classification: Uncertain significance. Last evaluated: 2025-12-30. Review status: criteria provided, single submitter. Criteria: Invitae Variant Classification Sherloc (09022015). Collection method: clinical testing. Allele origin: germline.
Comment: This sequence change replaces valine, which is neutral and non-polar, with isoleucine, which is neutral and non-polar, at codon 234 of the CTNNA1 protein (p.Val234Ile). This variant is present in population databases (rs570687363, gnomAD 0.003%). This variant has not been reported in the literature in individuals affected with CTNNA1-related conditions. ClinVar contains an entry for this variant (Variation ID: 945291). Invitae Evidence Modeling of protein sequence and biophysical properties (such as structural, functional, and spatial information, amino acid conservation, physicochemical variation, residue mobility, and thermodynamic stability) indicates that this missense variant is not expected to disrupt CTNNA1 protein function with a negative predictive value of 80%. In summary, the available evidence is currently insufficient to determine the role of this variant in disease. Therefore, it has been classified as a Variant of Uncertain Significance.

Ambry Genetics
Classification: Uncertain significance for Hereditary cancer-predisposing syndrome. Last evaluated: 2024-05-14. Review status: criteria provided, single submitter. Criteria: Ambry Variant Classification Scheme 2023. Collection method: clinical testing. Allele origin: germline.
Comment: The p.V234I variant (also known as c.700G>A), located in coding exon 5 of the CTNNA1 gene, results from a G to A substitution at nucleotide position 700. The valine at codon 234 is replaced by isoleucine, an amino acid with highly similar properties. This amino acid position is highly conserved in available vertebrate species. In addition, this alteration is predicted to be tolerated by in silico analysis. The evidence for this gene-disease relationship is limited; therefore, the clinical significance of this alteration is unclear.

NM_001903.5(CTNNA1):c.700G>A (p.Val234Ile)

Gene: CTNNA1 (catenin alpha 1; plus strand). Cytogenetic location: 5q31.2.
Variant type: single nucleotide variant.
Coding change: c.700G>A on transcript NM_001903.5 (MANE Select); coding-DNA position 700, G replaced by A.
Protein change: p.Val234Ile; replaces valine 234 with isoleucine.
Molecular consequence: missense variant.
Genome position (GRCh38, 1-based): chr5:138,824,641, G>A. VCF-style: chr5-138824641-G-A. GRCh37 (hg19) VCF-style: chr5-138160330-G-A.
Other names: c.700G>A, p.Val234Ile (NM_001290307.3, NM_001323982.2, NM_001323983.1 and 3 more transcripts); c.391G>A, p.Val131Ile (NM_001290309.3); c.331G>A, p.Val111Ile (NM_001290310.3); short protein forms V131I, V234I, V111I.
Identifiers: ClinVar variation 945291 (VCV000945291.11), dbSNP rs570687363, ClinGen allele CA3431531.